The following is an entry in ClinVar:

NM_001103170.3(AADACL3):c.1011G>A (p.Pro337=)

Gene: AADACL3 (arylacetamide deacetylase like 3; plus strand). Cytogenetic location: 1p36.21.
Variant type: single nucleotide variant.
Coding change: c.1011G>A on transcript NM_001103170.3 (MANE Select); coding-DNA position 1011, G replaced by A.
Protein change: p.Pro337=; no amino-acid change (proline 337 retained).
Molecular consequence: synonymous variant. On other transcripts: non-coding transcript variant (1).
Genome position (GRCh38, 1-based): chr1:12,725,783, G>A. VCF-style: chr1-12725783-G-A. GRCh37 (hg19) VCF-style: chr1-12785750-G-A.
Other names: NC_000001.10:g.12785750G>A.
Identifiers: ClinVar variation 2638259 (VCV002638259.25), dbSNP rs201620030, ClinGen allele CA605432.

ClinVar aggregate classification (germline): Likely benign (1 of 4 stars; one submission).

Allele frequency attached by ClinVar (database versions not stated): ExAC 0.00082; TOPMed 0.00087; ESP Exome Variant Server 0.00096; gnomAD 0.00097; gnomAD exomes 0.00181.
gnomAD v4.1: 2,756 of 1,614,122 alleles (0.17%); highest among the groups gnomAD compares: Non-Finnish European, 0.21%; 3 homozygotes.

Submissions (3):

CeGaT Center for Human Genetics Tuebingen
Classification: Likely benign. Last evaluated: 2022-11-01. Review status: criteria provided, single submitter. Criteria: CeGaT Center For Human Genetics Tuebingen Variant Classification Criteria Version 2. Collection method: clinical testing. Allele origin: germline. Affected: yes. Observed: 1 variant allele.
Comment: AADACL3: BP4, BP7

Dr. Peter K. Rogan Lab, Western University
No classification provided (evidence only). Condition: Familial cancer of breast. Review status: no classification provided. Collection method: in vitro. Allele origin: not applicable. Functional consequence: retained intron. Not counted in ClinVar's aggregate classification.

Dr. Peter K. Rogan Lab, Western University
No classification provided (evidence only). Condition: Ovarian serous cystadenocarcinoma. Review status: no classification provided. Collection method: in vitro. Allele origin: not applicable. Functional consequence: retained intron. Not counted in ClinVar's aggregate classification.